The following is an entry in ClinVar:

NM_017841.4(SDHAF2):c.469G>C (p.Asp157His)

Gene: SDHAF2 (succinate dehydrogenase complex assembly factor 2; plus strand). Cytogenetic location: 11q12.2.
Variant type: single nucleotide variant.
Coding change: c.469G>C on transcript NM_017841.4 (MANE Select); coding-DNA position 469, G replaced by C.
Protein change: p.Asp157His; replaces aspartic acid 157 with histidine.
Molecular consequence: missense variant.
Genome position (GRCh38, 1-based): chr11:61,446,039, G>C. VCF-style: chr11-61446039-G-C. GRCh37 (hg19) VCF-style: chr11-61213511-G-C.
Other names: short protein forms D157H.
Identifiers: ClinVar variation 4844578 (VCV004844578.1).

ClinVar aggregate classification (germline): Uncertain significance (1 of 4 stars; one submission).

Conditions:
Hereditary cancer-predisposing syndrome. Also called: Neoplastic Syndromes, Hereditary; Tumor predisposition; Hereditary Cancer Syndrome; Hereditary neoplastic syndrome. Identifiers: Orphanet 140162, MedGen C0027672, MeSH D009386, MONDO:0015356.

Submission:

Ambry Genetics
Classification: Uncertain significance for Hereditary cancer-predisposing syndrome. Last evaluated: 2026-02-16. Review status: criteria provided, single submitter. Criteria: Ambry Variant Classification Scheme 2023. Collection method: clinical testing. Allele origin: germline.
Comment: The p.D157H variant (also known as c.469G>C), located in coding exon 4 of the SDHAF2 gene, results from a G to C substitution at nucleotide position 469. The aspartic acid at codon 157 is replaced by histidine, an amino acid with similar properties. This amino acid position is conserved. In addition, the in silico prediction for this alteration is inconclusive. Based on the available evidence, the clinical significance of this variant remains unclear.